The following is an entry in ClinVar:

NM_016284.5(CNOT1):c.2450C>T (p.Pro817Leu)

Gene: CNOT1 (CCR4-NOT transcription complex subunit 1; minus strand). Cytogenetic location: 16q21.
Variant type: single nucleotide variant.
Coding change: c.2450C>T on transcript NM_016284.5 (MANE Select); coding-DNA position 2450, C replaced by T.
Protein change: p.Pro817Leu; replaces proline 817 with leucine.
Molecular consequence: missense variant. On other transcripts: non-coding transcript variant (1).
Genome position (GRCh38, 1-based): chr16:58,556,876, G>A on the plus strand (C>T on the coding strand, the complement: CNOT1 is on the minus strand). VCF-style: chr16-58556876-G-A. GRCh37 (hg19) VCF-style: chr16-58590780-G-A.
Other names: c.2450C>T, p.Pro817Leu (NM_001265612.2, NM_206999.3); short protein forms P817L.
Identifiers: ClinVar variation 2499875 (VCV002499875.2), dbSNP rs2543964243, ClinGen allele CA396130922.

ClinVar aggregate classification (germline): Uncertain significance (1 of 4 stars; one submission).

Allele frequency attached by ClinVar (database versions not stated): gnomAD exomes below 0.00001.
gnomAD v4.1: 2 of 1,614,028 alleles (0.00012%); highest among the groups gnomAD compares: Non-Finnish European, 0.000085%; no homozygotes.

Submission:

GeneDx
Classification: Uncertain significance. Last evaluated: 2023-08-22. Review status: criteria provided, single submitter. Criteria: GeneDx Variant Classification Process June 2021. Collection method: clinical testing. Allele origin: germline.
Comment: Not observed at significant frequency in large population cohorts (gnomAD); In silico analysis supports that this missense variant has a deleterious effect on protein structure/function; Has not been previously published as pathogenic or benign to our knowledge